The following is an entry in ClinVar:

NM_001276270.2(MBD4):c.272A>G (p.Glu91Gly)

Gene: MBD4 (methyl-CpG binding domain 4, DNA glycosylase; minus strand). Cytogenetic location: 3q21.3.
Variant type: single nucleotide variant.
Coding change: c.272A>G on transcript NM_001276270.2 (MANE Select); coding-DNA position 272, A replaced by G.
Protein change: p.Glu91Gly; replaces glutamic acid 91 with glycine.
Molecular consequence: missense variant. On other transcripts: intron variant (1).
Genome position (GRCh38, 1-based): chr3:129,437,783, T>C on the plus strand (A>G on the coding strand, the complement: MBD4 is on the minus strand). VCF-style: chr3-129437783-T-C. GRCh37 (hg19) VCF-style: chr3-129156626-T-C.
Other names: c.272A>G, p.Glu91Gly (NM_001276271.2, NM_001276272.2, NM_003925.3); c.247+25A>G (NM_001276273.2); short protein forms E91G.
Identifiers: ClinVar variation 3692442 (VCV003692442.3).
Genomic context (GRCh38, chr3:129,437,783, plus strand): 5'-ATAAAGTACACATCAAATCTTCCTGCTGTCTTCCCAAATAACCTTTGCTTCACAACTCTT[T>C]CCCATCCACATGGGACAGACTTACGGCATTCTGTTCCTGCAGTAGCACCAAACTGAGCAG-3'
Protein context (NP_001263199.1, residues 81-101): ECRKSVPCGW[Glu91Gly]RVVKQRLFGK

ClinVar aggregate classification (germline): Uncertain significance. Review status: criteria provided, multiple submitters, no conflicts (2 of 4 stars). 2 submissions from 2 submitters: Uncertain significance (2). Last evaluated 2026-02-16.

Conditions:
Inborn genetic diseases. Identifiers: MedGen C0950123, MeSH D030342.

Submissions (2):

Ambry Genetics
Classification: Uncertain significance for Inborn genetic diseases. Last evaluated: 2026-02-16. Review status: criteria provided, single submitter. Criteria: Ambry Variant Classification Scheme 2023. Collection method: clinical testing. Allele origin: germline.
Comment: The p.E91G variant (also known as c.272A>G), located in coding exon 2 of the MBD4 gene, results from an A to G substitution at nucleotide position 272. The glutamic acid at codon 91 is replaced by glycine, an amino acid with similar properties. This amino acid position is not well conserved in available vertebrate species. In addition, the in silico prediction for this alteration is inconclusive. Based on the available evidence, the clinical significance of this variant remains unclear.

Labcorp Genetics (formerly Invitae), Labcorp
Classification: Uncertain significance. Last evaluated: 2024-02-17. Review status: criteria provided, single submitter. Criteria: Invitae Variant Classification Sherloc (09022015). Collection method: clinical testing. Allele origin: germline.
Comment: This sequence change replaces glutamic acid, which is acidic and polar, with glycine, which is neutral and non-polar, at codon 91 of the MBD4 protein (p.Glu91Gly). This variant is not present in population databases (gnomAD no frequency). This variant has not been reported in the literature in individuals affected with MBD4-related conditions. An algorithm developed to predict the effect of missense changes on protein structure and function (PolyPhen-2) suggests that this variant is likely to be disruptive. In summary, the available evidence is currently insufficient to determine the role of this variant in disease. Therefore, it has been classified as a Variant of Uncertain Significance.